The following is an entry in ClinVar:

NM_182961.4(SYNE1):c.20517A>G (p.Leu6839=)

Gene: SYNE1 (spectrin repeat containing nuclear envelope protein 1; minus strand). Cytogenetic location: 6q25.2.
Variant type: single nucleotide variant.
Coding change: c.20517A>G on transcript NM_182961.4 (MANE Select); coding-DNA position 20517, A replaced by G.
Protein change: p.Leu6839=; no amino-acid change (leucine 6839 retained).
Molecular consequence: synonymous variant.
Genome position (GRCh38, 1-based): chr6:152,234,680, T>C on the plus strand (A>G on the coding strand, the complement: SYNE1 is on the minus strand). VCF-style: chr6-152234680-T-C. GRCh37 (hg19) VCF-style: chr6-152555815-T-C.
Other names: c.20304A>G, p.Leu6768= (NM_033071.5).
Identifiers: ClinVar variation 1589975 (VCV001589975.9), dbSNP rs1428729266, ClinGen allele CA452751532.

ClinVar aggregate classification (germline): Likely benign. Review status: criteria provided, multiple submitters, no conflicts (2 of 4 stars). 2 submissions from 2 submitters: Likely benign (2). Last evaluated 2026-07-01.

Conditions:
Emery-Dreifuss muscular dystrophy 4, autosomal dominant (EDMD4). Also called: EMERY-DREIFUSS MUSCULAR DYSTROPHY 4 WITH VARIABLE FEATURES. Identifiers: Orphanet 261, MedGen C2751807, MONDO:0013071, OMIM 612998.
Autosomal recessive ataxia, Beauce type. Also called: ATAXIA, RECESSIVE, OF BEAUCE; SYNE1 Deficiency; Spinocerebellar ataxia, autosomal recessive 8; SYNE1-Related Autosomal Recessive Cerebellar Ataxia. Identifiers: Orphanet 88644, MedGen C1853116, MONDO:0012549, OMIM 610743.

Allele frequency attached by ClinVar (database versions not stated): gnomAD exomes below 0.00001; gnomAD 0.00001.
gnomAD v4.1: 2 of 1,614,104 alleles (0.00012%); highest among the groups gnomAD compares: Non-Finnish European, 0.00017%; no homozygotes.

Submissions (2):

CeGaT Center for Human Genetics Tuebingen
Classification: Likely benign. Last evaluated: 2026-07-01. Review status: criteria provided, single submitter. Criteria: CeGaT Center For Human Genetics Tuebingen Variant Classification Criteria Version 2. Collection method: clinical testing. Allele origin: germline. Affected: yes. Observed: 1 variant allele.
Comment: SYNE1: BP4, BP7

Labcorp Genetics (formerly Invitae), Labcorp
Classification: Likely benign for Emery-Dreifuss muscular dystrophy 4, autosomal dominant; Autosomal recessive ataxia, Beauce type. Last evaluated: 2023-11-27. Review status: criteria provided, single submitter. Criteria: Invitae Variant Classification Sherloc (09022015). Collection method: clinical testing. Allele origin: germline.